The following is an entry in ClinVar:

ClinVar aggregate classification (germline): Conflicting classifications of pathogenicity. Review status: criteria provided, conflicting classifications (1 of 4 stars). 6 submissions from 6 submitters: Uncertain significance (1); Likely benign (4). 1 of the submissions does not count toward it. Last evaluated 2025-11-03.

Conditions:
Inborn genetic diseases. Identifiers: MedGen C0950123, MeSH D030342.
COL2A1-related disorder. Also called: COL2A1-related condition; COL2A1-related disorders.

Allele frequency attached by ClinVar (database versions not stated): 1000 Genomes Project 30x 0.00016; 1000 Genomes Project 0.00020; TOPMed 0.00021; ESP Exome Variant Server 0.00023.
gnomAD v4.1: 58 of 1,613,890 alleles (0.0036%); highest among the groups gnomAD compares: African/African-American, 0.072%; no homozygotes.

Submissions (6):

Labcorp Genetics (formerly Invitae), Labcorp
Classification: Likely benign. Last evaluated: 2025-11-03. Review status: criteria provided, single submitter. Criteria: Invitae Variant Classification Sherloc (09022015). Collection method: clinical testing. Allele origin: germline.

Ambry Genetics
Classification: Likely benign for Inborn genetic diseases. Last evaluated: 2025-05-16. Review status: criteria provided, single submitter. Criteria: Ambry Variant Classification Scheme 2023. Collection method: clinical testing. Allele origin: germline.

PreventionGenetics, part of Exact Sciences
Classification: Likely benign for COL2A1-related condition. Last evaluated: 2025-02-05. Review status: criteria provided, single submitter. Criteria: ACMG Guidelines, 2015. Collection method: clinical testing. Allele origin: germline.
Comment: This variant is classified as likely benign based on ACMG/AMP sequence variant interpretation guidelines (Richards et al. 2015 PMID: 25741868, with internal and published modifications).

GeneDx
Classification: Uncertain significance. Last evaluated: 2024-12-19. Review status: criteria provided, single submitter. Criteria: GeneDx Variant Classification Process June 2021. Collection method: clinical testing. Allele origin: germline. Affected: yes.
Comment: Has not been previously published as pathogenic or benign to our knowledge; In silico analysis supports that this missense variant has a deleterious effect on protein structure/function; Occurs in the triple helical domain at the X position in the canonical Gly-X-Y repeat; although this variant may have an effect on normal protein folding and function, missense substitution at the X position is not a common mechanism of disease (HGMD)

Blueprint Genetics
Classification: Likely benign. Last evaluated: 2021-11-19. Review status: criteria provided, single submitter. Criteria: ACMG Guidelines, 2015. Collection method: clinical testing. Allele origin: germline.

Department of Pathology and Laboratory Medicine, Sinai Health System
Classification: Uncertain significance. Review status: no assertion criteria provided. Collection method: clinical testing. Allele origin: unknown. Affected: yes. Study: The Canadian Open Genetics Repository (COGR). Not counted in ClinVar's aggregate classification.
Comment: The COL2A1 p.Pro1102Ser variant was not identified in the literature nor was it identified in ClinVar. The variant was identified in dbSNP (ID: rs147750391) and LOVD 3.0. The variant was identified in control databases in 20 of 282824 chromosomes at a frequency of 0.00007072 (Genome Aggregation Database March 6, 2019, v2.1.1). The variant was observed in the African population in 20 of 24966 chromosomes (freq: 0.000801), but was not observed in the Latino, Ashkenazi Jewish, East Asian, European (Finnish), European (non-Finnish), Other, and South Asian populations. The p.Pro1102 residue is conserved in mammals and computational analyses (PolyPhen-2, SIFT, AlignGVGD, BLOSUM, MutationTaster) provide inconsistent predictions regarding the impact to the protein; this information is not very predictive of pathogenicity. The variant occurs outside of the splicing consensus sequence and 1 of 4 in silico or computational prediction software programs (SpliceSiteFinder, MaxEntScan, NNSPLICE, GeneSplicer) predict a greater than 10% difference in splicing; this is not very predictive of pathogenicity. In summary, based on the above information the clinical significance of this variant cannot be determined with certainty at this time. This variant is classified as a variant of uncertain significance.

NM_001844.5(COL2A1):c.3511C>T (p.Pro1171Ser)

Gene: COL2A1 (collagen type II alpha 1 chain; minus strand). Cytogenetic location: 12q13.11.
Variant type: single nucleotide variant.
Coding change: c.3511C>T on transcript NM_001844.5 (MANE Select); coding-DNA position 3511, C replaced by T.
Protein change: p.Pro1171Ser; replaces proline 1171 with serine.
Molecular consequence: missense variant.
Genome position (GRCh38, 1-based): chr12:47,976,049, G>A on the plus strand (C>T on the coding strand, the complement: COL2A1 is on the minus strand). VCF-style: chr12-47976049-G-A. GRCh37 (hg19) VCF-style: chr12-48369832-G-A.
Other names: c.3304C>T, p.Pro1102Ser (NM_033150.3); short protein forms P1102S, P1171S.
Identifiers: ClinVar variation 956678 (VCV000956678.19), dbSNP rs147750391, ClinGen allele CA6534714.